The following is an entry in ClinVar:

ClinVar aggregate classification (germline): Likely benign (1 of 4 stars; one submission).

Submission:

CeGaT Center for Human Genetics Tuebingen
Classification: Likely benign. Last evaluated: 2026-01-01. Review status: criteria provided, single submitter. Criteria: CeGaT Center For Human Genetics Tuebingen Variant Classification Criteria Version 2. Collection method: clinical testing. Allele origin: germline. Affected: yes. Observed: 1 variant allele.
Comment: POLR1C: PM2:Supporting, BP4, BP7

NM_203290.4(POLR1C):c.831C>T (p.Asn277=)

Gene: POLR1C (RNA polymerase I and III subunit C; plus strand). Cytogenetic location: 6p21.1.
Variant type: single nucleotide variant.
Coding change: c.831C>T on transcript NM_203290.4 (MANE Select); coding-DNA position 831, C replaced by T.
Protein change: p.Asn277=; no amino-acid change (asparagine 277 retained).
Molecular consequence: synonymous variant.
Genome position (GRCh38, 1-based): chr6:43,520,957, C>T. VCF-style: chr6-43520957-C-T. GRCh37 (hg19) VCF-style: chr6-43488695-C-T.
Other names: c.831C>T, p.Asn277= (NM_001318876.2, NM_001363658.2).
Identifiers: ClinVar variation 4822838 (VCV004822838.4).